The following is an entry in ClinVar:

ClinVar aggregate classification (germline): Uncertain significance (1 of 4 stars; one submission).

Conditions:
Primary ciliary dyskinesia. Also called: Ciliary dyskinesia. Identifiers: Orphanet 244, MedGen C0008780, MONDO:0016575, HP:0012265.

Allele frequency attached by ClinVar (database versions not stated): gnomAD 0.00001; gnomAD exomes 0.00001.
gnomAD v4.1: 9 of 1,613,272 alleles (0.00056%); highest among the groups gnomAD compares: Middle Eastern, 0.13%; 1 homozygote.

Submission:

Labcorp Genetics (formerly Invitae), Labcorp
Classification: Uncertain significance for Primary ciliary dyskinesia. Last evaluated: 2018-09-22. Review status: criteria provided, single submitter. Criteria: Invitae Variant Classification Sherloc (09022015). Collection method: clinical testing. Allele origin: germline.
Comment: This sequence change replaces isoleucine with threonine at codon 1741 of the DNAH8 protein (p.Ile1741Thr). The isoleucine residue is highly conserved and there is a moderate physicochemical difference between isoleucine and threonine. This variant is not present in population databases (ExAC no frequency). This variant has not been reported in the literature in individuals with DNAH8-related disease. Algorithms developed to predict the effect of missense changes on protein structure and function are either unavailable or do not agree on the potential impact of this missense change (SIFT: "Deleterious"; PolyPhen-2: "Not Available"; Align-GVGD: "Class C0"). In summary, the available evidence is currently insufficient to determine the role of this variant in disease. Therefore, it has been classified as a Variant of Uncertain Significance.

NM_001206927.2(DNAH8):c.5222T>C (p.Ile1741Thr)

Gene: DNAH8 (dynein axonemal heavy chain 8; plus strand). Cytogenetic location: 6p21.2.
Variant type: single nucleotide variant.
Coding change: c.5222T>C on transcript NM_001206927.2 (MANE Select); coding-DNA position 5222, T replaced by C.
Protein change: p.Ile1741Thr; replaces isoleucine 1741 with threonine.
Molecular consequence: missense variant.
Genome position (GRCh38, 1-based): chr6:38,850,273, T>C. VCF-style: chr6-38850273-T-C. GRCh37 (hg19) VCF-style: chr6-38818049-T-C.
Other names: c.4571T>C, p.Ile1524Thr (NM_001371.4); short protein forms I1741T, I1524T.
Identifiers: ClinVar variation 657681 (VCV000657681.1), dbSNP rs761361186, ClinGen allele CA137578544.